The following is an entry in ClinVar:

NM_007294.4(BRCA1):c.1273T>C (p.Ser425Pro)

Gene: BRCA1 (BRCA1 DNA repair associated; minus strand). Cytogenetic location: 17q21.31.
Variant type: single nucleotide variant.
Coding change: c.1273T>C on transcript NM_007294.4 (MANE Select); coding-DNA position 1273, T replaced by C.
Protein change: p.Ser425Pro; replaces serine 425 with proline.
Molecular consequence: missense variant. On other transcripts: intron variant (137).
Genome position (GRCh38, 1-based): chr17:43,094,258, A>G on the plus strand (T>C on the coding strand, the complement: BRCA1 is on the minus strand). VCF-style: chr17-43094258-A-G. GRCh37 (hg19) VCF-style: chr17-41246275-A-G.
Other names: c.778+486T>C (NM_001408408.1); c.661+486T>C (NM_001408446.1, NM_001408435.1, NM_001408448.1 and 6 more transcripts); c.784+486T>C (NM_001408401.1, NM_001408396.1, NM_001407985.1 and 13 more transcripts); c.664+486T>C (NM_001408430.1, NM_001408444.1, NM_001408438.1 and 12 more transcripts); c.670+1588T>C (NM_001408423.1, NM_001408420.1, NM_001408419.1 and 2 more transcripts); c.787+486T>C (NM_001408404.1, NM_001407980.1, NM_001407993.1 and 19 more transcripts); c.548-3226T>C (NM_001408494.1); c.1060T>C, p.Ser354Pro (NM_001407571.1, NM_001407853.1, NM_001407894.1 and 9 more transcripts); and 40 more; short protein forms S129P, S257P, S297P, S298P, S313P, S314P, S336P, S337P.
Identifiers: ClinVar variation 1721552 (VCV001721552.8), dbSNP rs1328261486, ClinGen allele CA10599510.
Genomic context (GRCh38, chr17:43,094,258, plus strand): 5'-CACTTTTACATATTAAAGCCTCATGAGGATCACTGGCCAGTAAGTCTATTTTCTCTGAAG[A>G]ACCAGAATATTCATCTACCTCATTTAGAACGTCCAATACATCAGCTACTTTGGCATTTGA-3'
Protein context (NP_009225.1, residues 415-435): VLNEVDEYSG[Ser425Pro]SEKIDLLASD

ClinVar aggregate classification (germline): Conflicting classifications of pathogenicity. Review status: criteria provided, conflicting classifications (1 of 4 stars). 4 submissions from 4 submitters: Uncertain significance (3); Likely benign (1). Last evaluated 2025-09-16.

Conditions:
Hereditary cancer-predisposing syndrome. Also called: Hereditary neoplastic syndrome; Neoplastic Syndromes, Hereditary; Hereditary Cancer Syndrome; Tumor predisposition. Identifiers: Orphanet 140162, MedGen C0027672, MeSH D009386, MONDO:0015356.
Hereditary breast ovarian cancer syndrome. Also called: BRCA1- and BRCA2-Associated Hereditary Breast and Ovarian Cancer; Hereditary breast and ovarian cancer syndrome (HBOC); Hereditary breast and/or ovarian cancer syndrome; Hereditary breast and ovarian cancer syndrome; Hereditary breast and ovarian cancer; Breast and ovarian cancer. Identifiers: Orphanet 145, MedGen C0677776, MeSH D061325, MONDO:0003582. Disease mechanism: loss of function.

Allele frequency attached by ClinVar (database versions not stated): TOPMed below 0.00001; gnomAD 0.00001.
gnomAD v4.1: 1 of 1,614,048 alleles (0.000062%); highest among the groups gnomAD compares: East Asian, 0.0022%; no homozygotes.

Submissions (4):

Labcorp Genetics (formerly Invitae), Labcorp
Classification: Uncertain significance for Hereditary breast ovarian cancer syndrome. Last evaluated: 2025-09-16. Review status: criteria provided, single submitter. Criteria: Invitae Variant Classification Sherloc (09022015). Collection method: clinical testing. Allele origin: germline.
Comment: This sequence change replaces serine, which is neutral and polar, with proline, which is neutral and non-polar, at codon 425 of the BRCA1 protein (p.Ser425Pro). This variant is not present in population databases (gnomAD no frequency). This variant has not been reported in the literature in individuals affected with BRCA1-related conditions. ClinVar contains an entry for this variant (Variation ID: 1721552). Invitae Evidence Modeling of protein sequence and biophysical properties (such as structural, functional, and spatial information, amino acid conservation, physicochemical variation, residue mobility, and thermodynamic stability) indicates that this missense variant is not expected to disrupt BRCA1 protein function with a negative predictive value of 80%. In summary, the available evidence is currently insufficient to determine the role of this variant in disease. Therefore, it has been classified as a Variant of Uncertain Significance.

Ambry Genetics
Classification: Uncertain significance for Hereditary cancer-predisposing syndrome. Last evaluated: 2025-05-14. Review status: criteria provided, single submitter. Criteria: Ambry Variant Classification Scheme 2023. Collection method: clinical testing. Allele origin: germline.
Comment: The p.S425P variant (also known as c.1273T>C), located in coding exon 9 of the BRCA1 gene, results from a T to C substitution at nucleotide position 1273. The serine at codon 425 is replaced by proline, an amino acid with similar properties. This amino acid position is not well conserved in available vertebrate species. In addition, this alteration is predicted to be deleterious by in silico analysis. Based on the available evidence, the clinical significance of this variant remains unclear.

Women's Health and Genetics/Laboratory Corporation of America, LabCorp
Classification: Uncertain significance. Last evaluated: 2023-12-31. Review status: criteria provided, single submitter. Criteria: LabCorp Variant Classification Summary - May 2015. Collection method: clinical testing. Allele origin: germline.

University of Washington Department of Laboratory Medicine, University of Washington
Classification: Likely benign for Hereditary cancer-predisposing syndrome. Last evaluated: 2023-03-23. Review status: criteria provided, single submitter. Criteria: Dines et al. (Genet Med. 2020). Collection method: curation. Allele origin: germline.
Comment: Missense variant in a coldspot region where missense variants are very unlikely to be pathogenic (PMID:31911673).

BRCA1 coldspot (exon 11 using historical exon numbering). Reclassification based on statistical prior probability